The following is an entry in ClinVar:

NM_001754.5(RUNX1):c.122C>T (p.Thr41Met)

Gene: RUNX1 (RUNX family transcription factor 1; minus strand). Cytogenetic location: 21q22.12.
Variant type: single nucleotide variant.
Coding change: c.122C>T on transcript NM_001754.5 (MANE Select); coding-DNA position 122, C replaced by T.
Protein change: p.Thr41Met; replaces threonine 41 with methionine.
Molecular consequence: missense variant.
Genome position (GRCh38, 1-based): chr21:34,887,072, G>A on the plus strand (C>T on the coding strand, the complement: RUNX1 is on the minus strand). VCF-style: chr21-34887072-G-A. GRCh37 (hg19) VCF-style: chr21-36259369-G-A.
Other names: NM_001754.5(RUNX1):c.122C>T; p.Thr41Met; c.41C>T, p.Thr14Met (NM_001001890.3, NM_001122607.2); short protein forms T41M, T14M.
Identifiers: ClinVar variation 661459 (VCV000661459.10), dbSNP rs769087155, ClinGen allele CA10014590.

ClinVar aggregate classification (germline): Uncertain significance. Review status: reviewed by expert panel (3 of 4 stars). 3 submissions from 3 submitters: Uncertain significance (1). 2 of the submissions do not count toward it. Last evaluated 2024-08-01.

Conditions:
Inborn genetic diseases. Identifiers: MedGen C0950123, MeSH D030342.
Hereditary thrombocytopenia and hematologic cancer predisposition syndrome. Identifiers: Orphanet 71290, MedGen CN281654, MONDO:0011071.
Hereditary thrombocytopenia and hematological cancer predisposition syndrome associated with RUNX1. Also called: Familial Platelet Disorder with Propensity to Acute Myelogenous Leukemia; Familial thrombocytopenia with propensity to acute myelogenous leukemia; RUNX1 Familial Platelet Disorder with Associated Myeloid Malignancies; PLATELET DISORDER, ASPIRIN-LIKE. Identifiers: Orphanet 71290, MedGen C1832388, MeSH C563324, MONDO:0100083, OMIM 601399.

Allele frequency attached by ClinVar (database versions not stated): gnomAD exomes below 0.00001; ExAC 0.00001; gnomAD 0.00001; TOPMed 0.00002.
gnomAD v4.1: 7 of 1,599,066 alleles (0.00044%); highest among the groups gnomAD compares: Middle Eastern, 0.033%; no homozygotes.

Submissions (3):

ClinGen Myeloid Malignancy Variant Curation Expert Panel
Classification: Uncertain significance for Hereditary thrombocytopenia and hematologic cancer predisposition syndrome. Last evaluated: 2024-08-01. Review status: reviewed by expert panel. Criteria: ClinGen MyeloMalig ACMG Specifications v2. Collection method: curation. Allele origin: germline. Inheritance: Autosomal dominant inheritance.
Comment: NM_001754.5(RUNX1):c.122C>T (p.Thr41Met) is a missense variant which does not meet any ACMG/AMP criteria. In summary, the clinical significance of this variant is uncertain. ACMG/AMP criteria applied, as specified by the Myeloid Malignancy Variant Curation Expert Panel for RUNX1: None.

Labcorp Genetics (formerly Invitae), Labcorp
Classification: Uncertain significance for Hereditary thrombocytopenia and hematological cancer predisposition syndrome associated with RUNX1. Last evaluated: 2025-06-16. Review status: criteria provided, single submitter. Criteria: Invitae Variant Classification Sherloc (09022015). Collection method: clinical testing. Allele origin: germline. Not counted in ClinVar's aggregate classification.
Comment: This sequence change replaces threonine, which is neutral and polar, with methionine, which is neutral and non-polar, at codon 41 of the RUNX1 protein (p.Thr41Met). The frequency data for this variant in the population databases is considered unreliable, as metrics indicate poor data quality at this position in the gnomAD database. This variant has not been reported in the literature in individuals affected with RUNX1-related conditions. ClinVar contains an entry for this variant (Variation ID: 661459). Invitae Evidence Modeling of protein sequence and biophysical properties (such as structural, functional, and spatial information, amino acid conservation, physicochemical variation, residue mobility, and thermodynamic stability) has been performed for this missense variant. However, the output from this modeling did not meet the statistical confidence thresholds required to predict the impact of this variant on RUNX1 protein function. In summary, the available evidence is currently insufficient to determine the role of this variant in disease. Therefore, it has been classified as a Variant of Uncertain Significance.

Ambry Genetics
Classification: Uncertain significance for Inborn genetic diseases. Last evaluated: 2025-04-01. Review status: criteria provided, single submitter. Criteria: Ambry Variant Classification Scheme 2023. Collection method: clinical testing. Allele origin: germline. Not counted in ClinVar's aggregate classification.
Comment: The p.T41M variant (also known as c.122C>T), located in coding exon 3 of the RUNX1 gene, results from a C to T substitution at nucleotide position 122. The threonine at codon 41 is replaced by methionine, an amino acid with similar properties. This amino acid position is well conserved in available vertebrate species. In addition, the in silico prediction for this alteration is inconclusive. Based on the available evidence, the clinical significance of this variant remains unclear.